The following is an entry in ClinVar:

ClinVar aggregate classification (germline): Uncertain significance (1 of 4 stars; one submission).

Conditions:
Catecholaminergic polymorphic ventricular tachycardia 1. Also called: VENTRICULAR TACHYCARDIA, CATECHOLAMINERGIC POLYMORPHIC, 1, WITH OR WITHOUT ATRIAL DYSFUNCTION AND/OR DILATED CARDIOMYOPATHY; RYR2-Related Catecholaminergic Polymorphic Ventricular Tachycardia; VENTRICULAR TACHYCARDIA, STRESS-INDUCED POLYMORPHIC 1. Identifiers: Orphanet 3286, MedGen C1631597, MONDO:0011484, OMIM 604772.

Submission:

Labcorp Genetics (formerly Invitae), Labcorp
Classification: Uncertain significance for Catecholaminergic polymorphic ventricular tachycardia 1. Last evaluated: 2024-02-23. Review status: criteria provided, single submitter. Criteria: Invitae Variant Classification Sherloc (09022015). Collection method: clinical testing. Allele origin: germline.
Comment: This sequence change replaces leucine, which is neutral and non-polar, with phenylalanine, which is neutral and non-polar, at codon 2763 of the RYR2 protein (p.Leu2763Phe). This variant is not present in population databases (gnomAD no frequency). This variant has not been reported in the literature in individuals affected with RYR2-related conditions. Advanced modeling of protein sequence and biophysical properties (such as structural, functional, and spatial information, amino acid conservation, physicochemical variation, residue mobility, and thermodynamic stability) has been performed at Invitae for this missense variant, however the output from this modeling did not meet the statistical confidence thresholds required to predict the impact of this variant on RYR2 protein function. In summary, the available evidence is currently insufficient to determine the role of this variant in disease. Therefore, it has been classified as a Variant of Uncertain Significance.

NM_001035.3(RYR2):c.8289G>T (p.Leu2763Phe)

Gene: RYR2 (ryanodine receptor 2; plus strand). Cytogenetic location: 1q43.
Variant type: single nucleotide variant.
Coding change: c.8289G>T on transcript NM_001035.3 (MANE Select); coding-DNA position 8289, G replaced by T.
Protein change: p.Leu2763Phe; replaces leucine 2763 with phenylalanine.
Molecular consequence: missense variant.
Genome position (GRCh38, 1-based): chr1:237,660,065, G>T. VCF-style: chr1-237660065-G-T. GRCh37 (hg19) VCF-style: chr1-237823365-G-T.
Other names: short protein forms L2763F.
Identifiers: ClinVar variation 3632642 (VCV003632642.2).